The following is an entry in ClinVar:

NM_014264.5(PLK4):c.1694A>G (p.Asp565Gly)

Gene: PLK4 (polo like kinase 4; plus strand). Cytogenetic location: 4q28.1.
Variant type: single nucleotide variant.
Coding change: c.1694A>G on transcript NM_014264.5 (MANE Select); coding-DNA position 1694, A replaced by G.
Protein change: p.Asp565Gly; replaces aspartic acid 565 with glycine.
Molecular consequence: missense variant.
Genome position (GRCh38, 1-based): chr4:127,890,100, A>G. VCF-style: chr4-127890100-A-G. GRCh37 (hg19) VCF-style: chr4-128811255-A-G.
Other names: c.1598A>G, p.Asp533Gly (NM_001190799.2); c.1571A>G, p.Asp524Gly (NM_001190801.2); short protein forms D565G, D533G, D524G.
Identifiers: ClinVar variation 1422841 (VCV001422841.6), dbSNP rs201941727, ClinGen allele CA105639101.
Genomic context (GRCh38, chr4:127,890,100, plus strand): 5'-ATATGACTGCACTTCACAGTAAACCTGAGATAATCCAACAAGAATGTGTTTTTGGCTCAG[A>G]TCCTCTTTCTGAACAGAGCAAGACTAGGGGTATGGAGCCACCATGGGGTTATCAGAATCG-3'
Protein context (NP_055079.3, residues 555-575): IIQQECVFGS[Asp565Gly]PLSEQSKTRG

ClinVar aggregate classification (germline): Uncertain significance (1 of 4 stars; one submission).

Allele frequency attached by ClinVar (database versions not stated): gnomAD exomes below 0.00001.
gnomAD v4.1: 4 of 1,614,084 alleles (0.00025%); highest among the groups gnomAD compares: Non-Finnish European, 0.00034%; no homozygotes.

Submission:

Labcorp Genetics (formerly Invitae), Labcorp
Classification: Uncertain significance. Last evaluated: 2022-06-27. Review status: criteria provided, single submitter. Criteria: Invitae Variant Classification Sherloc (09022015). Collection method: clinical testing. Allele origin: germline.
Comment: In summary, the available evidence is currently insufficient to determine the role of this variant in disease. Therefore, it has been classified as a Variant of Uncertain Significance. Algorithms developed to predict the effect of missense changes on protein structure and function (SIFT, PolyPhen-2, Align-GVGD) all suggest that this variant is likely to be tolerated. This variant has not been reported in the literature in individuals affected with PLK4-related conditions. This variant is not present in population databases (gnomAD no frequency). This sequence change replaces aspartic acid, which is acidic and polar, with glycine, which is neutral and non-polar, at codon 565 of the PLK4 protein (p.Asp565Gly).